The following is an entry in ClinVar:

NM_000245.4(MET):c.3215G>A (p.Gly1072Glu)

Gene: MET (MET proto-oncogene, receptor tyrosine kinase; plus strand). Cytogenetic location: 7q31.2.
Variant type: single nucleotide variant.
Coding change: c.3215G>A on transcript NM_000245.4 (MANE Select); coding-DNA position 3215, G replaced by A.
Protein change: p.Gly1072Glu; replaces glycine 1072 with glutamic acid.
Molecular consequence: missense variant.
Genome position (GRCh38, 1-based): chr7:116,775,067, G>A. VCF-style: chr7-116775067-G-A. GRCh37 (hg19) VCF-style: chr7-116415121-G-A.
Other names: c.3269G>A, p.Gly1090Glu (NM_001127500.3); c.1925G>A, p.Gly642Glu (NM_001324402.2); short protein forms G1072E, G1090E, G642E.
Identifiers: ClinVar variation 1007722 (VCV001007722.6), dbSNP rs1584957937, ClinGen allele CA368988670.
Genomic context (GRCh38, chr7:116,775,067, plus strand): 5'-ACATTGACCTCAGTGCTCTAAATCCAGAGCTGGTCCAGGCAGTGCAGCATGTAGTGATTG[G>A]GCCCAGTAGCCTGATTGTGCATTTCAATGAAGTCATAGGAAGAGGTAAGTATTTCCACTC-3'
Protein context (NP_000236.2, residues 1062-1082): LVQAVQHVVI[Gly1072Glu]PSSLIVHFNE

ClinVar aggregate classification (germline): Uncertain significance (1 of 4 stars; one submission).

Conditions:
Renal cell carcinoma. Identifiers: Orphanet 217071, MedGen C0007134, MeSH D002292, MONDO:0005086, HP:0005584.

Submission:

Labcorp Genetics (formerly Invitae), Labcorp
Classification: Uncertain significance for Renal cell carcinoma. Last evaluated: 2024-04-16. Review status: criteria provided, single submitter. Criteria: Invitae Variant Classification Sherloc (09022015). Collection method: clinical testing. Allele origin: germline.
Comment: This sequence change replaces glycine, which is neutral and non-polar, with glutamic acid, which is acidic and polar, at codon 1090 of the MET protein (p.Gly1090Glu). This variant is not present in population databases (gnomAD no frequency). This variant has not been reported in the literature in individuals affected with MET-related conditions. ClinVar contains an entry for this variant (Variation ID: 1007722). Advanced modeling of protein sequence and biophysical properties (such as structural, functional, and spatial information, amino acid conservation, physicochemical variation, residue mobility, and thermodynamic stability) performed at Invitae indicates that this missense variant is not expected to disrupt MET protein function with a negative predictive value of 80%. In summary, the available evidence is currently insufficient to determine the role of this variant in disease. Therefore, it has been classified as a Variant of Uncertain Significance.